The following is an entry in ClinVar:

ClinVar aggregate classification (germline): Benign/Likely benign. Review status: criteria provided, multiple submitters, no conflicts (2 of 4 stars). 12 submissions from 11 submitters: Benign (10); Likely benign (1). 1 of the submissions does not count toward it. Last evaluated 2026-09-01.

Conditions:
Arthrogryposis multiplex congenita 3, myogenic type. Also called: ARTHROGRYPOSIS MULTIPLEX CONGENITA, MYOGENIC TYPE. Identifiers: MedGen C5193121, MONDO:0032778, OMIM 618484.
Autosomal recessive ataxia, Beauce type. Also called: ATAXIA, RECESSIVE, OF BEAUCE; SYNE1-Related Autosomal Recessive Cerebellar Ataxia; Spinocerebellar ataxia, autosomal recessive 8; SYNE1 Deficiency. Identifiers: Orphanet 88644, MedGen C1853116, MONDO:0012549, OMIM 610743.
Emery-Dreifuss muscular dystrophy 4, autosomal dominant (EDMD4). Also called: EMERY-DREIFUSS MUSCULAR DYSTROPHY 4 WITH VARIABLE FEATURES. Identifiers: Orphanet 261, MedGen C2751807, MONDO:0013071, OMIM 612998.
Abnormal brain morphology. Also called: Abnormality of brain morphology. Identifiers: MedGen C4021085, HP:0012443.

Allele frequency attached by ClinVar (database versions not stated): gnomAD 0.00039 and 0.00116; ESP Exome Variant Server 0.00054; TOPMed 0.00056; gnomAD exomes 0.00392; 1000 Genomes Project 30x 0.00422; 1000 Genomes Project 0.00439; ExAC 0.00457.
gnomAD v4.1: 3,304 of 1,614,002 alleles (0.2%); highest among the groups gnomAD compares: South Asian, 2.9%; 77 homozygotes.

Submissions (12):

CeGaT Center for Human Genetics Tuebingen
Classification: Likely benign. Last evaluated: 2026-09-01. Review status: criteria provided, single submitter. Criteria: CeGaT Center For Human Genetics Tuebingen Variant Classification Criteria Version 2. Collection method: clinical testing. Allele origin: germline. Affected: yes. Observed: 19 variant alleles.
Comment: SYNE1: BP4, BS1

Labcorp Genetics (formerly Invitae), Labcorp
Classification: Benign for Emery-Dreifuss muscular dystrophy 4, autosomal dominant; Autosomal recessive ataxia, Beauce type. Last evaluated: 2026-01-25. Review status: criteria provided, single submitter. Criteria: Invitae Variant Classification Sherloc (09022015). Collection method: clinical testing. Allele origin: germline.

Athena Diagnostics
Classification: Benign. Last evaluated: 2024-01-05. Review status: criteria provided, single submitter. Criteria: Athena Diagnostics Criteria. Collection method: clinical testing. Allele origin: unknown.

Mendelics
Classification: Benign for Autosomal recessive ataxia, Beauce type. Last evaluated: 2023-08-22. Review status: criteria provided, single submitter. Criteria: Mendelics Assertion Criteria 2019. Collection method: clinical testing. Allele origin: germline.

Molecular Genetics, Royal Melbourne Hospital
Classification: Benign for Arthrogryposis multiplex congenita 3, myogenic type. Last evaluated: 2023-05-04. Review status: criteria provided, single submitter. Criteria: ACMG Guidelines, 2015. Collection method: clinical testing. Allele origin: germline. Affected: no.
Comment: South Asian population frequency is 2.65% (859/30,614 alleles, 21 homozygotes in gnomAD v2.1). Based on the classification scheme RMH Modified ACMG/AMP Guidelines v1.6.1, this variant is classified as BENIGN. Following criteria are met: BA1

Department of Pathology and Laboratory Medicine, Sinai Health System
Classification: Benign for autosomal recessive ataxia, Beauce type. Last evaluated: 2023-04-24. Review status: criteria provided, single submitter. Criteria: ACMG Guidelines, 2015. Collection method: research. Allele origin: germline.

GeneDx
Classification: Benign. Last evaluated: 2020-11-05. Review status: criteria provided, single submitter. Criteria: GeneDx Variant Classification Process June 2021. Collection method: clinical testing. Allele origin: germline. Affected: yes.
Comment: This variant is associated with the following publications: (PMID: 26539891)

Mayo Clinic Laboratories, Mayo Clinic
Classification: Benign. Last evaluated: 2018-04-05. Review status: criteria provided, single submitter. Criteria: ACMG Guidelines, 2015. Collection method: clinical testing. Allele origin: germline. Observed: 2 variant alleles.

Illumina Laboratory Services, Illumina
Classification: Benign for Autosomal recessive ataxia, Beauce type. Last evaluated: 2018-01-13. Review status: criteria provided, single submitter. Criteria: ICSL Variant Classification Criteria 13 December 2019. Collection method: clinical testing. Allele origin: germline.
Comment: This variant was observed in the ICSL laboratory as part of a predisposition screen in an ostensibly healthy population. It had not been previously curated by ICSL or reported in the Human Gene Mutation Database (HGMD: prior to June 1st, 2018), and was therefore a candidate for classification through an automated scoring system. Utilizing variant allele frequency, disease prevalence and penetrance estimates, and inheritance mode, an automated score was calculated to assess if this variant is too frequent to cause the disease. Based on the score and internal cut-off values, a variant classified as benign is not then subjected to further curation. The score for this variant resulted in a classification of benign for this disease.

Illumina Laboratory Services, Illumina
Classification: Benign for Emery-Dreifuss muscular dystrophy 4, autosomal dominant. Last evaluated: 2018-01-13. Review status: criteria provided, single submitter. Criteria: ICSL Variant Classification Criteria 13 December 2019. Collection method: clinical testing. Allele origin: germline.
Comment: the same text as in the submission from Illumina Laboratory Services, Illumina above.

Eurofins Ntd Llc (ga)
Classification: Benign. Last evaluated: 2015-11-03. Review status: criteria provided, single submitter. Criteria: EGL Classification Definitions 2015. Collection method: clinical testing. Allele origin: germline. Observed: 1 variant allele, 1 heterozygote.

Lupski Lab, Baylor-Hopkins CMG, Baylor College of Medicine
Classification: Likely pathogenic for Abnormal brain morphology. Review status: flagged submission. Criteria: Karaca et al. (Neuron 2015). Collection method: research. Allele origin: inherited. Inheritance: Autosomal recessive inheritance. Affected: yes. Not counted in ClinVar's aggregate classification.
ClinVar note: Reason: Outlier claim with insufficient supporting evidence

Literature cited by the submitters: PubMed 32892247 (cited by Athena Diagnostics); PubMed 32355288 (cited by Athena Diagnostics); PubMed 26539891 (cited by Athena Diagnostics).

NM_182961.4(SYNE1):c.19692+3G>A

Gene: SYNE1 (spectrin repeat containing nuclear envelope protein 1; minus strand). Cytogenetic location: 6q25.2.
Variant type: single nucleotide variant.
Coding change: c.19692+3G>A on transcript NM_182961.4 (MANE Select); 3 bases into the intron after coding-DNA position 19692, G replaced by A.
Molecular consequence: intron variant.
Genome position (GRCh38, 1-based): chr6:152,244,534, C>T on the plus strand (G>A on the coding strand, the complement: SYNE1 is on the minus strand). VCF-style: chr6-152244534-C-T. GRCh37 (hg19) VCF-style: chr6-152565669-C-T.
Other names: p.?; c.19479+3G>A (NM_033071.5).
Identifiers: ClinVar variation 284280 (VCV000284280.60), dbSNP rs150304757, ClinGen allele CA4054612.
Genomic context (GRCh38, chr6:152,244,534, plus strand): 5'-TTTTTTCTAGACTTCAAGTTTGATGTACCCCTGCAGCTGAATACTACTGGCTGAAGGCTG[C>T]ACCTGGAGCTTGGAGAGTTCTTGCATGGACGGCTGCTCGACCTGTAGCTTGTCACCACGC-3'